The following is an entry in ClinVar:

NM_001375524.1(TRRAP):c.200C>T (p.Pro67Leu)

Gene: TRRAP (transformation/transcription domain associated protein; plus strand). Cytogenetic location: 7q22.1.
Variant type: single nucleotide variant.
Coding change: c.200C>T on transcript NM_001375524.1 (MANE Select); coding-DNA position 200, C replaced by T.
Protein change: p.Pro67Leu; replaces proline 67 with leucine.
Molecular consequence: missense variant.
Genome position (GRCh38, 1-based): chr7:98,890,384, C>T. VCF-style: chr7-98890384-C-T. GRCh37 (hg19) VCF-style: chr7-98488007-C-T.
Other names: c.200C>T, p.Pro67Leu (NM_001244580.2, NM_003496.4); short protein forms P67L.
Identifiers: ClinVar variation 2582043 (VCV002582043.1), dbSNP rs375984896, ClinGen allele CA163082594.
Genomic context (GRCh38, chr7:98,890,384, plus strand): 5'-TGCACAATTAGAATGTCACGTCATCTCCTCAGTATTCTACATTCCTAGAACATATCATCC[C>T]TCGATTCCTTACATTTCTCCAAGATGGAGAAGTTCAGTTTCTTCAGGAGAAACCAGCACA-3'
Protein context (NP_001362453.1, residues 57-77): QYSTFLEHII[Pro67Leu]RFLTFLQDGE

ClinVar aggregate classification (germline): Uncertain significance (1 of 4 stars; one submission).

Allele frequency attached by ClinVar (database versions not stated): gnomAD 0.00001; TOPMed 0.00001; ESP Exome Variant Server 0.00008.
gnomAD v4.1: 2 of 1,606,834 alleles (0.00012%); highest among the groups gnomAD compares: African/African-American, 0.0013%; no homozygotes.

Submission:

GeneDx
Classification: Uncertain significance. Last evaluated: 2023-03-27. Review status: criteria provided, single submitter. Criteria: GeneDx Variant Classification Process June 2021. Collection method: clinical testing. Allele origin: germline. Affected: yes.
Comment: Not observed at significant frequency in large population cohorts (gnomAD); In silico analysis supports that this missense variant has a deleterious effect on protein structure/function; Has not been previously published as pathogenic or benign to our knowledge